The following is an entry in ClinVar:

ClinVar aggregate classification (germline): Uncertain significance. Review status: criteria provided, multiple submitters, no conflicts (2 of 4 stars). 2 submissions from 2 submitters: Uncertain significance (2). Last evaluated 2025-10-28.

Conditions:
Norman-Roberts syndrome (LIS2). Also called: Lissencephaly 2 (Norman-Roberts type). Identifiers: Orphanet 89844, MedGen C0796089, MONDO:0009760, OMIM 257320.
Familial temporal lobe epilepsy 7. Identifiers: Orphanet 101046, MedGen C4225327, MONDO:0014639, OMIM 616436.
Inborn genetic diseases. Identifiers: MedGen C0950123, MeSH D030342.

Allele frequency attached by ClinVar (database versions not stated): gnomAD exomes below 0.00001; TOPMed below 0.00001; ExAC 0.00001.
gnomAD v4.1: 8 of 1,613,716 alleles (0.0005%); highest among the groups gnomAD compares: East Asian, 0.0045%; no homozygotes.

Submissions (2):

Labcorp Genetics (formerly Invitae), Labcorp
Classification: Uncertain significance for Familial temporal lobe epilepsy 7; Norman-Roberts syndrome. Last evaluated: 2025-10-28. Review status: criteria provided, single submitter. Criteria: Invitae Variant Classification Sherloc (09022015). Collection method: clinical testing. Allele origin: germline.
Comment: This sequence change replaces glycine, which is neutral and non-polar, with alanine, which is neutral and non-polar, at codon 937 of the RELN protein (p.Gly937Ala). This variant is present in population databases (rs756821721, gnomAD 0.006%). This variant has not been reported in the literature in individuals affected with RELN-related conditions. ClinVar contains an entry for this variant (Variation ID: 1391425). Invitae Evidence Modeling of protein sequence and biophysical properties (such as structural, functional, and spatial information, amino acid conservation, physicochemical variation, residue mobility, and thermodynamic stability) has been performed for this missense variant. However, the output from this modeling did not meet the statistical confidence thresholds required to predict the impact of this variant on RELN protein function. In summary, the available evidence is currently insufficient to determine the role of this variant in disease. Therefore, it has been classified as a Variant of Uncertain Significance.

Ambry Genetics
Classification: Uncertain significance for Inborn genetic diseases. Last evaluated: 2024-11-23. Review status: criteria provided, single submitter. Criteria: Ambry Variant Classification Scheme 2023. Collection method: clinical testing. Allele origin: germline.

NM_005045.4(RELN):c.2810G>C (p.Gly937Ala)

Gene: RELN (reelin; minus strand). Cytogenetic location: 7q22.1.
Variant type: single nucleotide variant.
Coding change: c.2810G>C on transcript NM_005045.4 (MANE Select); coding-DNA position 2810, G replaced by C.
Protein change: p.Gly937Ala; replaces glycine 937 with alanine.
Molecular consequence: missense variant.
Genome position (GRCh38, 1-based): chr7:103,611,696, C>G on the plus strand (G>C on the coding strand, the complement: RELN is on the minus strand). VCF-style: chr7-103611696-C-G. GRCh37 (hg19) VCF-style: chr7-103252143-C-G.
Other names: c.2810G>C (NM_005045.3); c.2810G>C, p.Gly937Ala (NM_173054.3); short protein forms G937A.
Identifiers: ClinVar variation 1391425 (VCV001391425.9), dbSNP rs756821721, ClinGen allele CA4421925.